The following is an entry in ClinVar:

ClinVar aggregate classification (germline): Uncertain significance (1 of 4 stars; one submission).

Conditions:
Perlman syndrome (PRLMNS). Identifiers: Orphanet 2849, MedGen C0796113, MONDO:0009965, OMIM 267000.

Submission:

Labcorp Genetics (formerly Invitae), Labcorp
Classification: Uncertain significance for Perlman syndrome. Last evaluated: 2022-03-03. Review status: criteria provided, single submitter. Criteria: Invitae Variant Classification Sherloc (09022015). Collection method: clinical testing. Allele origin: germline.
Comment: Algorithms developed to predict the effect of missense changes on protein structure and function (SIFT, PolyPhen-2, Align-GVGD) all suggest that this variant is likely to be tolerated. In summary, the available evidence is currently insufficient to determine the role of this variant in disease. Therefore, it has been classified as a Variant of Uncertain Significance. This variant has not been reported in the literature in individuals affected with DIS3L2-related conditions. This variant is not present in population databases (gnomAD no frequency). This sequence change replaces phenylalanine, which is neutral and non-polar, with leucine, which is neutral and non-polar, at codon 262 of the DIS3L2 protein (p.Phe262Leu).

NM_152383.5(DIS3L2):c.784T>C (p.Phe262Leu)

Gene: DIS3L2 (DIS3 like 3'-5' exoribonuclease 2; plus strand). Cytogenetic location: 2q37.1.
Variant type: single nucleotide variant.
Coding change: c.784T>C on transcript NM_152383.5 (MANE Select); coding-DNA position 784, T replaced by C.
Protein change: p.Phe262Leu; replaces phenylalanine 262 with leucine.
Molecular consequence: missense variant. On other transcripts: non-coding transcript variant (1).
Genome position (GRCh38, 1-based): chr2:232,136,553, T>C. VCF-style: chr2-232136553-T-C. GRCh37 (hg19) VCF-style: chr2-233001263-T-C.
Other names: c.784T>C, p.Phe262Leu (NM_001257281.2); short protein forms F262L.
Identifiers: ClinVar variation 2105922 (VCV002105922.4), dbSNP rs2469848419, ClinGen allele CA351153581.